The following is an entry in ClinVar:

ClinVar aggregate classification (germline): Pathogenic (1 of 4 stars; one submission).

Conditions:
Ataxia-telangiectasia syndrome (AT). Also called: LOUIS-BAR SYNDROME; Cerebello-oculocutaneous telangiectasia; Immunodeficiency with ataxia telangiectasia; Ataxia telangiectasia (A-T); Ataxia-telangiectasia, complementation group D; AT, COMPLEMENTATION GROUP C. Identifiers: Orphanet 100, MedGen C0004135, MONDO:0008840, OMIM 208900.

Submission:

Labcorp Genetics (formerly Invitae), Labcorp
Classification: Pathogenic for Ataxia-telangiectasia syndrome. Last evaluated: 2023-12-01. Review status: criteria provided, single submitter. Criteria: Invitae Variant Classification Sherloc (09022015). Collection method: clinical testing. Allele origin: germline.
Comment: This sequence change creates a premature translational stop signal (p.Met2520Cysfs*12) in the ATM gene. It is expected to result in an absent or disrupted protein product. Loss-of-function variants in ATM are known to be pathogenic (PMID: 23807571, 25614872). This variant is not present in population databases (gnomAD no frequency). This variant has not been reported in the literature in individuals affected with ATM-related conditions. For these reasons, this variant has been classified as Pathogenic.

Literature cited by the submitters: PubMed 23807571; PubMed 25614872.

NM_000051.4(ATM):c.7554del (p.Met2520fs)

Genes: ATM (ATM serine/threonine kinase; plus strand), C11orf65 (chromosome 11 open reading frame 65; minus strand). Cytogenetic location: 11q22.3.
Variant type: Deletion.
Coding change: c.7554del on transcript NM_000051.4 (MANE Select); coding-DNA position 7554, one base deleted (T; older notation c.7554delT).
Protein change: p.Met2520fs; shifts the reading frame from methionine 2520.
Molecular consequence: frameshift variant. On other transcripts: non-coding transcript variant (1), intron variant (2).
Genome position (GRCh38, 1-based): chr11:108,331,482, T deleted. VCF-style (leftmost placement, unchanged base first): chr11-108331481-CT-C. GRCh37 (hg19) VCF-style: chr11-108202208-CT-C.
Other names: c.7554del, p.Met2520fs (NM_001351834.2); c.641-22411del (NM_001330368.2); c.*38+3738del (NM_001351110.2); short protein forms M2520fs.
Identifiers: ClinVar variation 2700270 (VCV002700270.3), dbSNP rs2547274091, ClinGen allele CA2697558871.